The following is an entry in ClinVar:

ClinVar aggregate classification (germline): Likely benign. Review status: criteria provided, multiple submitters, no conflicts (2 of 4 stars). 6 submissions from 6 submitters: Likely benign (4). 2 of the submissions do not count toward it. Last evaluated 2026-06-01.

Conditions:
Encephalopathy, acute, infection-induced (herpes-specific), susceptibility to, 6. Also called: Herpes simplex encephalitis, susceptibility to, 4. Identifiers: Orphanet 1930, MedGen C3553869, MONDO:0013921, OMIM 614850.

Allele frequency attached by ClinVar (database versions not stated): ESP Exome Variant Server 0.00262; 1000 Genomes Project 0.00240; 1000 Genomes Project 30x 0.00234; TOPMed 0.00260.
gnomAD v4.1: 1,357 of 1,583,658 alleles (0.086%); highest among the groups gnomAD compares: African/African-American, 0.67%; 7 homozygotes.

Submissions (6):

CeGaT Center for Human Genetics Tuebingen
Classification: Likely benign. Last evaluated: 2026-06-01. Review status: criteria provided, single submitter. Criteria: CeGaT Center For Human Genetics Tuebingen Variant Classification Criteria Version 2. Collection method: clinical testing. Allele origin: germline. Affected: yes. Observed: 2 variant alleles.
Comment: TICAM1: BP4, BS2

Labcorp Genetics (formerly Invitae), Labcorp
Classification: Likely benign for Encephalopathy, acute, infection-induced (herpes-specific), susceptibility to, 6. Last evaluated: 2026-02-01. Review status: criteria provided, single submitter. Criteria: Invitae Variant Classification Sherloc (09022015). Collection method: clinical testing. Allele origin: germline.

Blueprint Genetics
Classification: Likely benign. Last evaluated: 2024-11-21. Review status: criteria provided, single submitter. Criteria: ACMG Guidelines, 2015. Collection method: clinical testing. Allele origin: germline.

Breakthrough Genomics
Classification: Likely benign. Review status: criteria provided, single submitter. Criteria: ACMG Guidelines, 2015. Collection method: not provided. Allele origin: germline. Inheritance: Autosomal dominant inheritance. Affected: yes.

Clinical Genetics DNA and cytogenetics Diagnostics Lab, Erasmus MC, Erasmus Medical Center
Classification: Likely benign. Review status: no assertion criteria provided. Collection method: clinical testing. Allele origin: germline. Affected: yes. Study: VKGL Data-share Consensus. Not counted in ClinVar's aggregate classification.

Genome Diagnostics Laboratory, University Medical Center Utrecht
Classification: Likely benign. Review status: no assertion criteria provided. Collection method: clinical testing. Allele origin: germline. Affected: yes. Study: VKGL Data-share Consensus. Not counted in ClinVar's aggregate classification.

NM_182919.4(TICAM1):c.733G>A (p.Gly245Ser)

Gene: TICAM1 (TIR domain containing adaptor molecule 1; minus strand). Cytogenetic location: 19p13.3.
Variant type: single nucleotide variant.
Coding change: c.733G>A on transcript NM_182919.4 (MANE Select); coding-DNA position 733, G replaced by A.
Protein change: p.Gly245Ser; replaces glycine 245 with serine.
Molecular consequence: missense variant.
Genome position (GRCh38, 1-based): chr19:4,817,645, C>T on the plus strand (G>A on the coding strand, the complement: TICAM1 is on the minus strand). VCF-style: chr19-4817645-C-T. GRCh37 (hg19) VCF-style: chr19-4817657-C-T.
Other names: c.691G>A, p.Gly231Ser (NM_001385678.1); c.598G>A, p.Gly200Ser (NM_001385679.1); c.91G>A, p.Gly31Ser (NM_001385680.1); short protein forms G245S, G200S, G231S, G31S.
Identifiers: ClinVar variation 473297 (VCV000473297.40), dbSNP rs151272128, ClinGen allele CA9105288.